The following is an entry in ClinVar:

NC_000018.9:g.(?_52895456)_(53254347_?)del

Gene: TCF4 (transcription factor 4; minus strand). Cytogenetic location: 18q21.2.
Variant type: Deletion.
Identifiers: ClinVar variation 2423677 (VCV002423677.3).

ClinVar aggregate classification (germline): Pathogenic (1 of 4 stars; one submission).

Conditions:
Pitt-Hopkins syndrome (PTHS). Also called: ENCEPHALOPATHY, SEVERE EPILEPTIC, WITH AUTONOMIC DYSFUNCTION; MENTAL RETARDATION, SYNDROMAL, WITH INTERMITTENT HYPERVENTILATION. Identifiers: Orphanet 2896, MedGen C1970431, MONDO:0012589, OMIM 610954.

Submission:

Labcorp Genetics (formerly Invitae), Labcorp
Classification: Pathogenic for Pitt-Hopkins syndrome. Last evaluated: 2022-08-27. Review status: criteria provided, single submitter. Criteria: Invitae Variant Classification Sherloc (09022015). Collection method: clinical testing. Allele origin: germline.
Comment: A gross deletion of the genomic region encompassing the full coding sequence of the TCF4 gene has been identified. Loss-of-function variants in TCF4 are known to be pathogenic (PMID: 18728071, 22045651). The boundaries of this event are unknown as they extend beyond the assayed region for this gene and therefore may encompass additional genes. Isolated whole-gene deletion of TCF4 have not been reported in the literature. However, larger copy number events that include this gene have been reported (PMID: 17436254, 29318938). For these reasons, this variant has been classified as Pathogenic.

Literature cited by the submitters: PubMed 18728071; PubMed 22045651; PubMed 17436254; PubMed 29318938.